The following is an entry in ClinVar:

ClinVar aggregate classification (germline): Uncertain significance (1 of 4 stars; one submission).

Conditions:
Mevalonic aciduria (MEVA). Identifiers: Orphanet 29, MedGen C1959626, MONDO:0012481, OMIM 610377.
Porokeratosis 3, disseminated superficial actinic type (POROK3). Also called: POROKERATOSIS 3, MULTIPLE TYPES; POROKERATOSIS 3, MIBELLI TYPE; POROKERATOSIS, DISSEMINATED SUPERFICIAL ACTINIC, 1. Identifiers: MedGen C1867981, MONDO:0008293, OMIM 175900.
Hyperimmunoglobulin D with periodic fever (HIDS). Also called: HYPERIMMUNOGLOBULINEMIA D AND PERIODIC FEVER SYNDROME; Hyperimmunoglobulinemia D with periodic fever; Hyperimmunoglobulinemia D. Identifiers: Orphanet 343, MedGen C0398691, MONDO:0009849, OMIM 260920.

gnomAD v4.1: 21 of 1,614,078 alleles (0.0013%); highest among the groups gnomAD compares: Non-Finnish European, 0.0017%; no homozygotes.

Submission:

Labcorp Genetics (formerly Invitae), Labcorp
Classification: Uncertain significance for Mevalonic aciduria; Hyperimmunoglobulin D with periodic fever; Porokeratosis 3, disseminated superficial actinic type. Last evaluated: 2025-11-15. Review status: criteria provided, single submitter. Criteria: Invitae Variant Classification Sherloc (09022015). Collection method: clinical testing. Allele origin: germline.
Comment: This sequence change replaces serine, which is neutral and polar, with asparagine, which is neutral and polar, at codon 45 of the MVK protein (p.Ser45Asn). This variant is present in population databases (rs772892275, gnomAD 0.007%). This variant has not been reported in the literature in individuals affected with MVK-related conditions. An algorithm developed to predict the effect of missense changes on protein structure and function outputs the following: PolyPhen-2: "Benign". The asparagine amino acid residue is found in multiple mammalian species, which suggests that this missense change does not adversely affect protein function. In summary, the available evidence is currently insufficient to determine the role of this variant in disease. Therefore, it has been classified as a Variant of Uncertain Significance.

NM_000431.4(MVK):c.134G>A (p.Ser45Asn)

Gene: MVK (mevalonate kinase; plus strand). Cytogenetic location: 12q24.11.
Variant type: single nucleotide variant.
Coding change: c.134G>A on transcript NM_000431.4 (MANE Select); coding-DNA position 134, G replaced by A.
Protein change: p.Ser45Asn; replaces serine 45 with asparagine.
Molecular consequence: missense variant. On other transcripts: 5 prime UTR variant (1), non-coding transcript variant (4).
Genome position (GRCh38, 1-based): chr12:109,576,053, G>A. VCF-style: chr12-109576053-G-A. GRCh37 (hg19) VCF-style: chr12-110013858-G-A.
Other names: c.134G>A, p.Ser45Asn (NM_001114185.3, NM_001301182.2, NM_001414511.1 and 3 more transcripts); c.-449G>A (NM_001414515.1); short protein forms S45N.
Identifiers: ClinVar variation 4793661 (VCV004793661.1).
Genomic context (GRCh38, chr12:109,576,053, plus strand): 5'-TATAGGTAGCACTGGCTGTATCCTTGAACTTGAGAACATTCCTCCGGCTTCAACCCCACA[G>A]CAATGGGAAAGTGGACCTCAGCTTACCCAACATTGGTATCAAGCGGGCCTGGGATGTGGC-3'
Protein context (NP_000422.1, residues 35-55): LRTFLRLQPH[Ser45Asn]NGKVDLSLPN